The following is an entry in ClinVar:

NM_015164.4(PLEKHM2):c.2875G>A (p.Asp959Asn)

Gene: PLEKHM2 (pleckstrin homology and RUN domain containing M2; plus strand). Cytogenetic location: 1p36.21.
Variant type: single nucleotide variant.
Coding change: c.2875G>A on transcript NM_015164.4 (MANE Select); coding-DNA position 2875, G replaced by A.
Protein change: p.Asp959Asn; replaces aspartic acid 959 with asparagine.
Molecular consequence: missense variant.
Genome position (GRCh38, 1-based): chr1:15,732,681, G>A. VCF-style: chr1-15732681-G-A. GRCh37 (hg19) VCF-style: chr1-16059176-G-A.
Other names: c.2815G>A, p.Asp939Asn (NM_001410755.1); short protein forms D939N, D959N.
Identifiers: ClinVar variation 4812555 (VCV004812555.1).
Genomic context (GRCh38, chr1:15,732,681, plus strand): 5'-CAGGACAGCCAGCAGCTCCTCCCGCCCTGGGTCATCTACCTGAGCTGCACTTCTGAACTG[G>A]ACCGATTGCTGTCTGCACTGAACTCTGGGTGGAAAACCATCTATCAGGTACCCAGCTGCC-3'
Protein context (NP_055979.2, residues 949-969): VIYLSCTSEL[Asp959Asn]RLLSALNSGW

ClinVar aggregate classification (germline): Uncertain significance (1 of 4 stars; one submission).

gnomAD v4.1: 3 of 1,610,866 alleles (0.00019%); highest among the groups gnomAD compares: African/African-American, 0.004%; no homozygotes.

Submission:

Labcorp Genetics (formerly Invitae), Labcorp
Classification: Uncertain significance. Last evaluated: 2025-10-17. Review status: criteria provided, single submitter. Criteria: Invitae Variant Classification Sherloc (09022015). Collection method: clinical testing. Allele origin: germline.
Comment: This sequence change replaces aspartic acid, which is acidic and polar, with asparagine, which is neutral and polar, at codon 959 of the PLEKHM2 protein (p.Asp959Asn). The frequency data for this variant in the population databases is considered unreliable, as metrics indicate poor data quality at this position in the gnomAD database. This variant has not been reported in the literature in individuals affected with PLEKHM2-related conditions. An algorithm developed to predict the effect of missense changes on protein structure and function (PolyPhen-2) suggests that this variant is likely to be tolerated. In summary, the available evidence is currently insufficient to determine the role of this variant in disease. Therefore, it has been classified as a Variant of Uncertain Significance.